The following is an entry in ClinVar:

ClinVar aggregate classification (germline): Benign/Likely benign. Review status: criteria provided, multiple submitters, no conflicts (2 of 4 stars). 2 submissions from 2 submitters: Benign (1); Likely benign (1). Last evaluated 2019-04-03.

Conditions:
Fanconi anemia complementation group D2. Also called: FANCD2-Related Fanconi Anemia; FANCONI PANCYTOPENIA, TYPE 4; FANCONI ANEMIA, COMPLEMENTATION GROUP D. Identifiers: Orphanet 84, MedGen C3160738, MONDO:0009214, OMIM 227646.

Allele frequency attached by ClinVar (database versions not stated): gnomAD 0.03113 and 0.03356; 1000 Genomes Project 0.03135; gnomAD exomes 0.00278; 1000 Genomes Project 30x 0.03389; TOPMed 0.03572.
gnomAD v4.1: 8,797 of 1,538,866 alleles (0.57%); highest among the groups gnomAD compares: African/African-American, 11%; 436 homozygotes.

Submissions (2):

GeneDx
Classification: Benign. Last evaluated: 2019-04-03. Review status: criteria provided, single submitter. Criteria: GeneDx Variant Classification Process June 2021. Collection method: clinical testing. Allele origin: germline. Affected: yes.

Illumina Laboratory Services, Illumina
Classification: Likely benign for Fanconi anemia complementation group D2. Last evaluated: 2017-04-27. Review status: criteria provided, single submitter. Criteria: ICSL Variant Classification Criteria 13 December 2019. Collection method: clinical testing. Allele origin: germline.
Comment: This variant was observed as part of a predisposition screen in an ostensibly healthy population. A literature search was performed for the gene, cDNA change, and amino acid change (where applicable). No publications were found based on this search. Allele frequency data from public databases allowed determination this variant is unlikely to cause disease. Therefore, this variant is classified as likely benign.

NM_001018115.3(FANCD2):c.4281+270A>G

Genes: FANCD2 (FA complementation group D2; plus strand), FANCD2OS (FANCD2 opposite strand; minus strand). Cytogenetic location: 3p25.3.
Variant type: single nucleotide variant.
Coding change: c.4281+270A>G on transcript NM_001018115.3 (MANE Select); 270 bases into the intron after coding-DNA position 4281, A replaced by G.
Molecular consequence: intron variant. On other transcripts: 3 prime UTR variant (2).
Genome position (GRCh38, 1-based): chr3:10,099,085, A>G. VCF-style: chr3-10099085-A-G. GRCh37 (hg19) VCF-style: chr3-10140769-A-G.
Other names: c.*135A>G (NM_001374254.1, NM_033084.6); c.4281+270A>G (NM_001319984.2); c.4170+270A>G (NM_001374253.1); c.*43+5113T>C (NM_173472.2).
Identifiers: ClinVar variation 342385 (VCV000342385.10), dbSNP rs17032386, ClinGen allele CA10614717.